The following is an entry in ClinVar:

ClinVar aggregate classification (germline): Uncertain significance. Review status: criteria provided, multiple submitters, no conflicts (2 of 4 stars). 2 submissions from 2 submitters: Uncertain significance (2). Last evaluated 2024-02-11.

Conditions:
Wilms tumor 1 (WT1). Also called: Wilms tumor, somatic. Identifiers: Orphanet 654, MedGen CN033288, MONDO:0008679, OMIM 194070.

Allele frequency attached by ClinVar (database versions not stated): ESP Exome Variant Server 0.00009.

Submissions (2):

Labcorp Genetics (formerly Invitae), Labcorp
Classification: Uncertain significance for Wilms tumor 1. Last evaluated: 2024-02-11. Review status: criteria provided, single submitter. Criteria: Invitae Variant Classification Sherloc (09022015). Collection method: clinical testing. Allele origin: germline.
Comment: This sequence change replaces leucine, which is neutral and non-polar, with proline, which is neutral and non-polar, at codon 182 of the GPC3 protein (p.Leu182Pro). This variant is not present in population databases (gnomAD no frequency). This variant has not been reported in the literature in individuals affected with GPC3-related conditions. ClinVar contains an entry for this variant (Variation ID: 1712204). Advanced modeling of protein sequence and biophysical properties (such as structural, functional, and spatial information, amino acid conservation, physicochemical variation, residue mobility, and thermodynamic stability) performed at Invitae indicates that this missense variant is expected to disrupt GPC3 protein function with a positive predictive value of 80%. In summary, the available evidence is currently insufficient to determine the role of this variant in disease. Therefore, it has been classified as a Variant of Uncertain Significance.

GeneDx
Classification: Uncertain significance. Last evaluated: 2022-04-22. Review status: criteria provided, single submitter. Criteria: GeneDx Variant Classification Process June 2021. Collection method: clinical testing. Allele origin: germline. Affected: yes.
Comment: Not observed at significant frequency in large population cohorts (gnomAD); In silico analysis supports that this missense variant has a deleterious effect on protein structure/function; Missense variant in a gene in which most reported pathogenic variants are truncating/loss of function; Has not been previously published as pathogenic or benign to our knowledge

NM_004484.4(GPC3):c.545T>C (p.Leu182Pro)

Gene: GPC3 (glypican 3; minus strand). Cytogenetic location: Xq26.2.
Variant type: single nucleotide variant.
Coding change: c.545T>C on transcript NM_004484.4 (MANE Select); coding-DNA position 545, T replaced by C.
Protein change: p.Leu182Pro; replaces leucine 182 with proline.
Molecular consequence: missense variant.
Genome position (GRCh38, 1-based): chrX:133,753,969, A>G on the plus strand (T>C on the coding strand, the complement: GPC3 is on the minus strand). VCF-style: chrX-133753969-A-G. GRCh37 (hg19) VCF-style: chrX-132887996-A-G.
Other names: c.545T>C, p.Leu182Pro (NM_001164617.2); c.497T>C, p.Leu166Pro (NM_001164618.2); c.383T>C, p.Leu128Pro (NM_001164619.2); short protein forms L128P, L166P, L182P.
Identifiers: ClinVar variation 1712204 (VCV001712204.7), dbSNP rs144591352, ClinGen allele CA335981517.